The following is an entry in ClinVar:

NM_000212.3(ITGB3):c.1813G>A (p.Gly605Ser)

Gene: ITGB3 (integrin subunit beta 3; plus strand). Cytogenetic location: 17q21.32.
Variant type: single nucleotide variant.
Coding change: c.1813G>A on transcript NM_000212.3 (MANE Select); coding-DNA position 1813, G replaced by A.
Protein change: p.Gly605Ser; replaces glycine 605 with serine.
Molecular consequence: missense variant.
Genome position (GRCh38, 1-based): chr17:47,299,430, G>A. VCF-style: chr17-47299430-G-A. GRCh37 (hg19) VCF-style: chr17-45376796-G-A.
Other names: NM_000212.3:c.1813G>A; short protein forms G605S.
Identifiers: ClinVar variation 1879042 (VCV001879042.7), dbSNP rs144884023, ClinGen allele CA291227621.
Genomic context (GRCh38, chr17:47,299,430, plus strand): 5'-AACTGTACCACGCGTACTGACACCTGCATGTCCAGCAATGGGCTGCTGTGCAGCGGCCGC[G>A]GCAAGTGTGAATGTGGCAGCTGTGTCTGTATCCAGCCGGGCTCCTATGGGGACACCTGTG-3'
Protein context (NP_000203.2, residues 595-615): SSNGLLCSGR[Gly605Ser]KCECGSCVCI

ClinVar aggregate classification (germline): Likely pathogenic. Review status: reviewed by expert panel (3 of 4 stars). 5 submissions from 5 submitters: Likely pathogenic (1). 4 of the submissions do not count toward it. Last evaluated 2025-03-06.

Conditions:
Glanzmann thrombasthenia 2. Also called: BLEEDING DISORDER, PLATELET-TYPE, 23. Identifiers: MedGen C5543273, MONDO:0031009, OMIM 619267.
Myocardial infarction, susceptibility to. Identifiers: MedGen C1832662, MONDO:0012039, OMIM 608446.
Bleeding disorder, platelet-type, 24. Also called: GLANZMANN THROMBASTHENIA-LIKE WITH MACROTHROMBOCYTOPENIA 2. Identifiers: MedGen C5543280, MONDO:0030996, OMIM 619271.
Glanzmann thrombasthenia. Also called: PLATELET GLYCOPROTEIN IIb-IIIa DEFICIENCY; BLEEDING DISORDER, PLATELET-TYPE, 2; THROMBASTHENIA OF GLANZMANN AND NAEGELI; Thrombasthenia; Glanzmann's thrombasthenia. Identifiers: Orphanet 849, MedGen C0040015, MONDO:0100326.

Allele frequency attached by ClinVar (database versions not stated): gnomAD 0.00001; gnomAD exomes 0.00001; TOPMed 0.00002; ESP Exome Variant Server 0.00008.
gnomAD v4.1: 19 of 1,614,150 alleles (0.0012%); highest among the groups gnomAD compares: African/African-American, 0.0027%; no homozygotes.

Submissions (5):

ClinGen Platelet Disorders Variant Curation Expert Panel, ClinGen
Classification: Likely pathogenic for Glanzmann thrombasthenia. Last evaluated: 2025-03-06. Review status: reviewed by expert panel. Criteria: ClinGen Platelet ACMG Specifications v2-1. Collection method: curation. Allele origin: germline. Inheritance: Autosomal recessive inheritance.
Comment: The NM_000212.3(ITGB3):c.1813G>A (p.Gly605Ser) missense variant has been reported in at least one patient (Patient GT4 in PMID:25373348) who displayed mucocutaneous bleeding and impaired aggregation with all agonists except ristocetin, which is highly specific for Glanzmann thrombasthenia. Additionally, αIIbβ3 surface expression was severely reduced, as measured by flow cytometry and function was pathological. ITGA2B and ITGB3 were sequenced across all exons and intron/exon boundaries (PP4_strong). GT4 of PMID: 25373348 is compound heterozygous for Arg242Gln (classified Pathogenic by the PD-EP) and Gly605Ser. Confirmation of trans phase was not reported (PM3_supporting). The highest population minor allele frequency in gnomAD v4.1 is 0.00002668 (2/74954 alleles) in the African/African American genetic ancestry group, which is lower than the ClinGen PD VCEP threshold (<0.0001; PM2_Supporting). The computational predictor REVEL gives a score of 0.959, which is above the ClinGen PD VCEP threshold of >0.7 and predicts a damaging effect on function (PP3). In summary this variant meets criteria to be classified as Likely Pathogenic for autosomal recessive Glanzmann Thrombasthenia based on the ACMG/AMP criteria applied, as specified by the ClinGen PD VCEP: PM2_supporting, PM3_supporting, PP3, PP4_strong. (VCEP specifications version 2)

Genomic Medicine Center of Excellence, King Faisal Specialist Hospital and Research Centre
Classification: Pathogenic for Glanzmann thrombasthenia 2. Last evaluated: 2025-09-10. Review status: criteria provided, single submitter. Criteria: ACMG Guidelines, 2015. Collection method: clinical testing. Allele origin: germline. Not counted in ClinVar's aggregate classification.

GeneDx
Classification: Likely pathogenic. Last evaluated: 2024-12-20. Review status: criteria provided, single submitter. Criteria: GeneDx Variant Classification Process June 2021. Collection method: clinical testing. Allele origin: germline. Affected: yes. Not counted in ClinVar's aggregate classification.
Comment: Published functional studies demonstrate a damaging effect, specifically impaired surface expression of the IIb3 complex (PMID: 9790984); In silico analysis supports that this missense variant has a deleterious effect on protein structure/function; Also known as G579S; This variant is associated with the following publications: (PMID: 9790984, 25373348, 37647632, 32757236)

Labcorp Genetics (formerly Invitae), Labcorp
Classification: Uncertain significance. Last evaluated: 2024-10-30. Review status: criteria provided, single submitter. Criteria: Invitae Variant Classification Sherloc (09022015). Collection method: clinical testing. Allele origin: germline. Not counted in ClinVar's aggregate classification.
Comment: This sequence change replaces glycine, which is neutral and non-polar, with serine, which is neutral and polar, at codon 605 of the ITGB3 protein (p.Gly605Ser). This variant is present in population databases (rs144884023, gnomAD 0.006%). This missense change has been observed in individual(s) with an incidentally discovered low platelet count and/or autosomal recessive Glanzmann thrombasthenia (PMID: 9790984, 32757236). This variant is also known as G579S. ClinVar contains an entry for this variant (Variation ID: 1879042). Invitae Evidence Modeling of protein sequence and biophysical properties (such as structural, functional, and spatial information, amino acid conservation, physicochemical variation, residue mobility, and thermodynamic stability) indicates that this missense variant is expected to disrupt ITGB3 protein function with a positive predictive value of 95%. Experimental studies have shown that this missense change affects ITGB3 function (PMID: 9790984). In summary, the available evidence is currently insufficient to determine the role of this variant in disease. Therefore, it has been classified as a Variant of Uncertain Significance.

Fulgent Genetics
Classification: Likely pathogenic for Myocardial infarction, susceptibility to; Glanzmann thrombasthenia 2; Bleeding disorder, platelet-type, 24. Last evaluated: 2024-05-30. Review status: criteria provided, single submitter. Criteria: ACMG Guidelines, 2015. Collection method: clinical testing. Allele origin: germline. Not counted in ClinVar's aggregate classification.

Literature cited by the submitters: PubMed 9790984 (cited by Labcorp Genetics (formerly Invitae), Labcorp); PubMed 32757236 (cited by Labcorp Genetics (formerly Invitae), Labcorp).